The following is an entry in ClinVar:

NM_004239.4(TRIP11):c.5645C>A (p.Ser1882Tyr)

Gene: TRIP11 (thyroid hormone receptor interactor 11; minus strand). Cytogenetic location: 14q32.12.
Variant type: single nucleotide variant.
Coding change: c.5645C>A on transcript NM_004239.4 (MANE Select); coding-DNA position 5645, C replaced by A.
Protein change: p.Ser1882Tyr; replaces serine 1882 with tyrosine.
Molecular consequence: missense variant.
Genome position (GRCh38, 1-based): chr14:91,972,791, G>T on the plus strand (C>A on the coding strand, the complement: TRIP11 is on the minus strand). VCF-style: chr14-91972791-G-T. GRCh37 (hg19) VCF-style: chr14-92439135-G-T.
Other names: c.5645C>A (NM_004239.3); c.5642C>A, p.Ser1881Tyr (NM_001321851.1); short protein forms S1881Y, S1882Y.
Identifiers: ClinVar variation 994324 (VCV000994324.9), dbSNP rs371689436, ClinGen allele CA7313090.

ClinVar aggregate classification (germline): Uncertain significance. Review status: criteria provided, multiple submitters, no conflicts (2 of 4 stars). 2 submissions from 2 submitters: Uncertain significance (2). Last evaluated 2025-11-20.

Conditions:
Inborn genetic diseases. Identifiers: MedGen C0950123, MeSH D030342.

Allele frequency attached by ClinVar (database versions not stated): gnomAD exomes 0.00003; gnomAD 0.00001 and 0.00002; TOPMed 0.00002; ExAC 0.00003.
gnomAD v4.1: 19 of 1,613,194 alleles (0.0012%); highest among the groups gnomAD compares: African/African-American, 0.0027%; no homozygotes.

Submissions (2):

Ambry Genetics
Classification: Uncertain significance for Inborn genetic diseases. Last evaluated: 2025-11-20. Review status: criteria provided, single submitter. Criteria: Ambry Variant Classification Scheme 2023. Collection method: clinical testing. Allele origin: germline.

ARUP Laboratories, Molecular Genetics and Genomics, ARUP Laboratories
Classification: Uncertain significance. Last evaluated: 2020-04-13. Review status: criteria provided, single submitter. Criteria: ARUP Molecular Germline Variant Investigation Process. Collection method: clinical testing. Allele origin: germline.
Comment: The TRIP11 c.5645C>A; p.Ser1882Tyr variant (rs371689436), to our knowledge, is not reported in the medical literature or gene-specific databases. This variant is found on only seven chromosomes (7/250676 alleles) in the Genome Aggregation Database. The serine at codon 1882 is moderately conserved, and computational analyses (SIFT, PolyPhen-2) predict that this variant is deleterious. However, due to limited information, the clinical significance of the p.Ser1882Tyr variant is uncertain at this time.